The following is an entry in ClinVar:

NM_000138.5(FBN1):c.8069T>G (p.Met2690Arg)

Gene: FBN1 (fibrillin 1; minus strand). Cytogenetic location: 15q21.1.
Variant type: single nucleotide variant.
Coding change: c.8069T>G on transcript NM_000138.5 (MANE Select); coding-DNA position 8069, T replaced by G.
Protein change: p.Met2690Arg; replaces methionine 2690 with arginine.
Molecular consequence: missense variant.
Genome position (GRCh38, 1-based): chr15:48,412,726, A>C on the plus strand (T>G on the coding strand, the complement: FBN1 is on the minus strand). VCF-style: chr15-48412726-A-C. GRCh37 (hg19) VCF-style: chr15-48704923-A-C.
Other names: short protein forms M2690R.
Identifiers: ClinVar variation 922436 (VCV000922436.13), dbSNP rs747476726, ClinGen allele CA059593.

ClinVar aggregate classification (germline): Conflicting classifications of pathogenicity. Review status: criteria provided, conflicting classifications (1 of 4 stars). 5 submissions from 5 submitters: Uncertain significance (1); Likely benign (3). 1 of the submissions does not count toward it. Last evaluated 2025-11-26.

Conditions:
Familial thoracic aortic aneurysm and aortic dissection (TAAD). Also called: Thoracic aortic aneurysms and dissections. Identifiers: Orphanet 91387, MedGen C4707243, MONDO:0019625.
Marfan syndrome (MFS). Also called: Marfan syndrome, classic; Marfan syndrome type 1; Marfan's syndrome; FBN1-Related Marfan Syndrome; MARFAN SYNDROME, TYPE I. Identifiers: Orphanet 284963, Orphanet 558, MedGen C0024796, MONDO:0007947, OMIM 154700.

Allele frequency attached by ClinVar (database versions not stated): gnomAD 0.00003; TOPMed 0.00003; ExAC 0.00004; gnomAD exomes 0.00003.
gnomAD v4.1: 26 of 1,614,108 alleles (0.0016%); highest among the groups gnomAD compares: East Asian, 0.051%; no homozygotes.

Submissions (5):

Labcorp Genetics (formerly Invitae), Labcorp
Classification: Likely benign for Marfan syndrome; Familial thoracic aortic aneurysm and aortic dissection. Last evaluated: 2025-11-26. Review status: criteria provided, single submitter. Criteria: Invitae Variant Classification Sherloc (09022015). Collection method: clinical testing. Allele origin: germline.

Women's Health and Genetics/Laboratory Corporation of America, LabCorp
Classification: Likely benign. Last evaluated: 2025-04-18. Review status: criteria provided, single submitter. Criteria: LabCorp Variant Classification Summary - May 2015. Collection method: clinical testing. Allele origin: germline.
Comment: Variant summary: FBN1 c.8069T>G (p.Met2690Arg) results in a non-conservative amino acid change in the encoded protein sequence. Three of five in-silico tools predict a benign effect of the variant on protein function. The variant allele was found at a frequency of 1.6e-05 in 1614108 control chromosomes, predominantly at a frequency of 0.00051 within the East Asian subpopulation in the gnomAD database. The observed variant frequency within East Asian control individuals in the gnomAD database is approximately 4.53 fold of the estimated maximal expected allele frequency for a pathogenic variant in FBN1 causing Aortopathy phenotype (0.00011). c.8069T>G has been observed in individual(s) affected with Aortopathy without strong evidence for causality (example: Fang_2017). These report(s) do not provide unequivocal conclusions about association of the variant with Aortopathy. To our knowledge, no experimental evidence demonstrating an impact on protein function has been reported. The following publication has been ascertained in the context of this evaluation (PMID: 28855619). ClinVar contains an entry for this variant (Variation ID: 922436). Based on the evidence outlined above, the variant was classified as likely benign.

GeneDx
Classification: Uncertain significance. Last evaluated: 2024-12-20. Review status: criteria provided, single submitter. Criteria: GeneDx Variant Classification Process June 2021. Collection method: clinical testing. Allele origin: germline. Affected: yes.
Comment: In silico analysis supports that this missense variant has a deleterious effect on protein structure/function; This variant is associated with the following publications: (PMID: 31279624, 35372177, 12938084, 28855619)

Color Diagnostics, LLC DBA Color Health
Classification: Likely benign for Familial thoracic aortic aneurysm and aortic dissection. Last evaluated: 2019-10-09. Review status: criteria provided, single submitter. Criteria: ACMG Guidelines, 2015. Collection method: clinical testing. Allele origin: germline.

Department of Laboratory Medicine and Genetics, Samsung Medical Center
Classification: Uncertain significance for Marfan syndrome. Last evaluated: 2025-01-02. Review status: no assertion criteria provided. Collection method: clinical testing. Allele origin: germline. Not counted in ClinVar's aggregate classification.
Comment: The NM_000138.5:c.8069T>G is considered to be not rare in the general population database (gnomAD v2.1.1). In summary, the available evidence is currently insufficient to evaluate the pathogenicity of this variant, resulting its classification as a variant of uncertain significance (BS1).

Literature cited by the submitters: PubMed 28855619 (cited by Women's Health and Genetics/Laboratory Corporation of America, LabCorp); PubMed 31279624 (cited by Department of Laboratory Medicine and Genetics, Samsung Medical Center); PubMed 37558401 (cited by Department of Laboratory Medicine and Genetics, Samsung Medical Center).